The following is an entry in ClinVar:

ClinVar aggregate classification (germline): Pathogenic (1 of 4 stars; one submission).

Conditions:
Familial adenomatous polyposis 1 (FAP1). Also called: FAMILIAL ADENOMATOUS POLYPOSIS 1, ATTENUATED; POLYPOSIS, ADENOMATOUS INTESTINAL. Identifiers: MedGen C2713442, MONDO:0021056, OMIM 175100. Disease mechanism: loss of function.

Submission:

Labcorp Genetics (formerly Invitae), Labcorp
Classification: Pathogenic for Familial adenomatous polyposis 1. Last evaluated: 2025-04-13. Review status: criteria provided, single submitter. Criteria: Invitae Variant Classification Sherloc (09022015). Collection method: clinical testing. Allele origin: germline.
Comment: This sequence change creates a premature translational stop signal (p.Met1747Asnfs*22) in the APC gene. While this is not anticipated to result in nonsense mediated decay, it is expected to disrupt the last 1097 amino acid(s) of the APC protein. This variant is not present in population databases (gnomAD no frequency). This variant has not been reported in the literature in individuals affected with APC-related conditions. ClinVar contains an entry for this variant (Variation ID: 3724819). This variant is expected to disrupt the EB1 and HDLG binding sites, which mediate interactions with the cytoskeleton (PMID: 15311282, 17293347). While functional studies have not been performed to directly test the effect on APC protein function, this suggests that disruption of the C-terminal portion of the protein is functionally important. A different truncation (p.Tyr2645Lysfs*14) that lies downstream of this variant has been determined to be pathogenic (PMID: 9824584, 1316610, 27081525, 8381579, 22135120, internal data). This suggests that deletion of this region of the APC protein is causative of disease. For these reasons, this variant has been classified as Pathogenic.

Literature cited by the submitters: PubMed 15311282; PubMed 17293347; PubMed 9824584; PubMed 1316610; PubMed 27081525; PubMed 8381579; PubMed 22135120.

NM_000038.6(APC):c.5237dup (p.Met1747fs)

Gene: APC (APC regulator of Wnt signaling pathway; plus strand). Cytogenetic location: 5q22.2.
Variant type: Duplication.
Coding change: c.5237dup on transcript NM_000038.6 (MANE Select); coding-DNA position 5237, one base duplicated (T; older notation c.5237dupT).
Protein change: p.Met1747fs; shifts the reading frame from methionine 1747.
Molecular consequence: frameshift variant. On other transcripts: non-coding transcript variant (2).
Genome position (GRCh38, 1-based): chr5:112,840,831, T duplicated. VCF-style (leftmost placement, unchanged base first): chr5-112840830-A-AT. GRCh37 (hg19) VCF-style: chr5-112176527-A-AT.
Other names: c.5237dup, p.Met1747fs (NM_001127510.3, NM_001354895.2, NM_001407450.1); c.5183dup, p.Met1729fs (NM_001127511.3); c.5291dup, p.Met1765fs (NM_001354896.2, NM_001407447.1, NM_001407448.1 and 1 more transcripts); c.5267dup, p.Met1757fs (NM_001354897.2); c.5162dup, p.Met1722fs (NM_001354898.2); c.5153dup, p.Met1719fs (NM_001354899.2); c.5114dup, p.Met1706fs (NM_001354900.2); c.5060dup, p.Met1688fs (NM_001354901.2, NM_001407453.1); and 11 more; short protein forms M1587fs, M1621fs, M1664fs, M1740fs, M1747fs, M1464fs, M1646fs, M1722fs.
Identifiers: ClinVar variation 3724819 (VCV003724819.2).